The following continues an entry in ClinVar:

NM_006593.4(TBR1):c.1588_1594dup (p.Thr532fs)

ClinVar aggregate classification (germline): Pathogenic/Likely pathogenic. Pathogenic (8); Likely pathogenic (10).

Submissions 11 to 22 of 22:

Ambry Genetics
Classification: Likely pathogenic for Inborn genetic diseases. Last evaluated: 2018-06-05. Review status: criteria provided, single submitter. Criteria: Ambry exome assertion method (8-5-2015). Collection method: clinical testing. Allele origin: germline. Affected: yes. Observed: 1 variant allele.

Equipe Genetique des Anomalies du Developpement, Université de Bourgogne
Classification: Likely pathogenic for Severe global developmental delay; Delayed fine motor development; Gait ataxia; Hypoplasia of the frontal lobes. Last evaluated: 2018-02-02. Review status: criteria provided, single submitter. Criteria: ACMG Guidelines, 2015. Collection method: clinical testing. Allele origin: de novo. Affected: yes. Observed: 1 variant allele.

CeGaT Center for Human Genetics Tuebingen
Classification: Likely pathogenic. Last evaluated: 2017-12-01. Review status: criteria provided, single submitter. Criteria: CeGaT Center For Human Genetics Tuebingen Variant Classification Criteria Version 2. Collection method: clinical testing. Allele origin: germline. Affected: yes. Observed: 1 variant allele.

Equipe Genetique des Anomalies du Developpement, Université de Bourgogne
Classification: Likely pathogenic for Severe global developmental delay. Last evaluated: 2017-10-30. Review status: criteria provided, single submitter. Criteria: ACMG Guidelines, 2015. Collection method: clinical testing. Allele origin: de novo. Affected: yes. Observed: 1 variant allele.

Equipe Genetique des Anomalies du Developpement, Université de Bourgogne
Classification: Likely pathogenic for Moderate global developmental delay; Autistic behavior. Last evaluated: 2017-03-16. Review status: criteria provided, single submitter. Criteria: ACMG Guidelines, 2015. Collection method: clinical testing. Allele origin: de novo. Affected: yes. Observed: 2 variant alleles.

HudsonAlpha Institute for Biotechnology
Classification: Likely pathogenic. Last evaluated: 2015-10-10. Review status: criteria provided, single submitter. Criteria: HA_assertions_20161101. Collection method: research. Allele origin: de novo. Affected: yes. Observed: 1 variant allele. Study: CSER-HudsonAlpha.

Equipe Genetique des Anomalies du Developpement, Université de Bourgogne
Classification: Likely pathogenic for Severe global developmental delay; Autistic behavior. Last evaluated: 2014-09-01. Review status: criteria provided, single submitter. Criteria: ACMG Guidelines, 2007. Collection method: clinical testing. Allele origin: de novo. Affected: yes. Observed: 1 variant allele.

Equipe Genetique des Anomalies du Developpement, Université de Bourgogne
Classification: Likely pathogenic for Autistic behavior. Last evaluated: 2014-01-01. Review status: criteria provided, single submitter. Criteria: ACMG Guidelines, 2007. Collection method: clinical testing. Allele origin: de novo. Affected: yes.

Solve-RD Consortium
Classification: Likely pathogenic for Intellectual developmental disorder with autism and speech delay. Last evaluated: 2022-06-01. Review status: no assertion criteria provided. Collection method: provider interpretation. Allele origin: inherited. Affected: yes. Not counted in ClinVar's aggregate classification.
Comment: Variant confirmed as disease-causing by referring clinical team

Variant identified during reanalysis of unsolved cases by the Solve-RD project. The Solve-RD project has received funding from the European Union’s Horizon 2020 research and innovation programme under grant agreement No 779257.

OMIM
Classification: Pathogenic for INTELLECTUAL DEVELOPMENTAL DISORDER WITH AUTISM AND SPEECH DELAY. Last evaluated: 2018-12-19. Review status: no assertion criteria provided. Collection method: literature only. Allele origin: germline. Not counted in ClinVar's aggregate classification.

Molecular Genetics Laboratory, BC Children's and BC Women's Hospitals
Classification: Likely pathogenic for Neurodevelopmental disorder. Last evaluated: 2016-02-09. Review status: no assertion criteria provided. Criteria: ACMG Guidelines, 2015. Collection method: clinical testing. Allele origin: de novo. Affected: yes. Not counted in ClinVar's aggregate classification.

Developmental and Behavioral Pediatrics, First Affiliated Hospital of Jilin University
Classification: Pathogenic for Intellectual developmental disorder with autism and speech delay. Review status: no assertion criteria provided. Collection method: clinical testing. Allele origin: de novo. Not counted in ClinVar's aggregate classification.

Literature cited by the submitters: PubMed 26757139 (cited by 3 submitters); PubMed 30268909 (cited by 4 submitters); PubMed 31231135 (cited by 3billion and Women's Health and Genetics/Laboratory Corporation of America, LabCorp); PubMed 28554332 (cited by 3 submitters); PubMed 24896178 (cited by Women's Health and Genetics/Laboratory Corporation of America, LabCorp and Ambry Genetics); PubMed 39825153 (cited by Solve-RD Consortium).